The following is an entry in ClinVar:

NM_022464.5(SIL1):c.644A>G (p.Gln215Arg)

Gene: SIL1 (SIL1 nucleotide exchange factor; minus strand). Cytogenetic location: 5q31.2.
Variant type: single nucleotide variant.
Coding change: c.644A>G on transcript NM_022464.5 (MANE Select); coding-DNA position 644, A replaced by G.
Protein change: p.Gln215Arg; replaces glutamine 215 with arginine.
Molecular consequence: missense variant.
Genome position (GRCh38, 1-based): chr5:139,026,802, T>C on the plus strand (A>G on the coding strand, the complement: SIL1 is on the minus strand). VCF-style: chr5-139026802-T-C. GRCh37 (hg19) VCF-style: chr5-138362491-T-C.
Other names: c.644A>G, p.Gln215Arg (NM_001037633.2); short protein forms Q215R.
Identifiers: ClinVar variation 662306 (VCV000662306.8), dbSNP rs758955215, ClinGen allele CA3432535.

ClinVar aggregate classification (germline): Uncertain significance. Review status: criteria provided, multiple submitters, no conflicts (2 of 4 stars). 2 submissions from 2 submitters: Uncertain significance (2). Last evaluated 2022-08-22.

Conditions:
Marinesco-Sjögren syndrome (MSS). Also called: Marinesco-SjÃ¶gren syndrome; Marinesco-Sjogren Syndrome. Identifiers: Orphanet 559, MedGen C0024814, MONDO:0009567, OMIM 248800.

Allele frequency attached by ClinVar (database versions not stated): gnomAD 0.00001; TOPMed 0.00002; gnomAD exomes 0.00003; ExAC 0.00005.
gnomAD v4.1: 20 of 1,613,956 alleles (0.0012%); highest among the groups gnomAD compares: Admixed American, 0.033%; no homozygotes.

Submissions (2):

Labcorp Genetics (formerly Invitae), Labcorp
Classification: Uncertain significance for Marinesco-Sjögren syndrome. Last evaluated: 2022-08-22. Review status: criteria provided, single submitter. Criteria: Invitae Variant Classification Sherloc (09022015). Collection method: clinical testing. Allele origin: germline.
Comment: This sequence change replaces glutamine, which is neutral and polar, with arginine, which is basic and polar, at codon 215 of the SIL1 protein (p.Gln215Arg). This variant is present in population databases (rs758955215, gnomAD 0.04%). This variant has not been reported in the literature in individuals affected with SIL1-related conditions. ClinVar contains an entry for this variant (Variation ID: 662306). Algorithms developed to predict the effect of missense changes on protein structure and function are either unavailable or do not agree on the potential impact of this missense change (SIFT: "Deleterious"; PolyPhen-2: "Probably Damaging"; Align-GVGD: "Class C0"). Algorithms developed to predict the effect of sequence changes on RNA splicing suggest that this variant may disrupt the consensus splice site. In summary, the available evidence is currently insufficient to determine the role of this variant in disease. Therefore, it has been classified as a Variant of Uncertain Significance.

Revvity Omics, Revvity
Classification: Uncertain significance for Marinesco-Sjögren syndrome. Last evaluated: 2021-12-17. Review status: criteria provided, single submitter. Criteria: ACMG Guidelines, 2015. Collection method: clinical testing. Allele origin: germline.